The following is an entry in ClinVar:

ClinVar aggregate classification (germline): Uncertain significance. Review status: criteria provided, multiple submitters, no conflicts (2 of 4 stars). 2 submissions from 2 submitters: Uncertain significance (2). Last evaluated 2024-01-09.

Submissions (2):

GeneDx
Classification: Uncertain significance. Last evaluated: 2024-01-09. Review status: criteria provided, single submitter. Criteria: GeneDx Variant Classification Process June 2021. Collection method: clinical testing. Allele origin: germline. Affected: yes.
Comment: Not observed at significant frequency in large population cohorts (gnomAD); In silico analysis supports that this missense variant has a deleterious effect on protein structure/function; Has not been previously published as pathogenic or benign to our knowledge

Labcorp Genetics (formerly Invitae), Labcorp
Classification: Uncertain significance. Last evaluated: 2021-12-30. Review status: criteria provided, single submitter. Criteria: Invitae Variant Classification Sherloc (09022015). Collection method: clinical testing. Allele origin: germline.
Comment: In summary, the available evidence is currently insufficient to determine the role of this variant in disease. Therefore, it has been classified as a Variant of Uncertain Significance. Advanced modeling of protein sequence and biophysical properties (such as structural, functional, and spatial information, amino acid conservation, physicochemical variation, residue mobility, and thermodynamic stability) performed at Invitae indicates that this missense variant is not expected to disrupt ADCY5 protein function. This variant has not been reported in the literature in individuals affected with ADCY5-related conditions. This variant is not present in population databases (gnomAD no frequency). This sequence change replaces cysteine, which is neutral and slightly polar, with tyrosine, which is neutral and polar, at codon 1237 of the ADCY5 protein (p.Cys1237Tyr).

NM_183357.3(ADCY5):c.3710G>A (p.Cys1237Tyr)

Gene: ADCY5 (adenylate cyclase 5; minus strand). Cytogenetic location: 3q21.1.
Variant type: single nucleotide variant.
Coding change: c.3710G>A on transcript NM_183357.3 (MANE Select); coding-DNA position 3710, G replaced by A.
Protein change: p.Cys1237Tyr; replaces cysteine 1237 with tyrosine.
Molecular consequence: missense variant.
Genome position (GRCh38, 1-based): chr3:123,284,684, C>T on the plus strand (G>A on the coding strand, the complement: ADCY5 is on the minus strand). VCF-style: chr3-123284684-C-T. GRCh37 (hg19) VCF-style: chr3-123003531-C-T.
Other names: c.2660G>A, p.Cys887Tyr (NM_001199642.1); c.3785G>A, p.Cys1262Tyr (NM_001378259.1); c.3710G>A (NM_183357.2); short protein forms C1237Y, C887Y, C1262Y.
Identifiers: ClinVar variation 1387226 (VCV001387226.7), dbSNP rs2108148782, ClinGen allele CA354222053.